The following is an entry in ClinVar:

ClinVar aggregate classification (germline): Uncertain significance (1 of 4 stars; one submission).

Submission:

GeneDx
Classification: Uncertain significance. Last evaluated: 2021-03-01. Review status: criteria provided, single submitter. Criteria: GeneDx Variant Classification Process June 2021. Collection method: clinical testing. Allele origin: germline. Affected: yes.
Comment: Has not been previously published as pathogenic or benign to our knowledge; Not observed in large population cohorts (Lek et al., 2016); In silico analysis supports that this missense variant has a deleterious effect on protein structure/function; Although located in a calcium-binding EGF-like domain of the FBN2 gene, it does not affect a cysteine residue within this domain; cysteine substitutions in the calcium-binding EGF-like domains represent the majority of pathogenic missense changes associated with FBN2-related disorders (Frederic et al., 2009). Occurs in exon 32, whereas the vast majority of pathogenic variants in the FBN2 gene reported to date occur within exons 24-33 (Callewaert et al., 2008); This variant is associated with the following publications: (PMID: 19006240)

NM_001999.4(FBN2):c.4121G>T (p.Gly1374Val)

Gene: FBN2 (fibrillin 2; minus strand). Cytogenetic location: 5q23.3.
Variant type: single nucleotide variant.
Coding change: c.4121G>T on transcript NM_001999.4 (MANE Select); coding-DNA position 4121, G replaced by T.
Protein change: p.Gly1374Val; replaces glycine 1374 with valine.
Molecular consequence: missense variant.
Genome position (GRCh38, 1-based): chr5:128,333,013, C>A on the plus strand (G>T on the coding strand, the complement: FBN2 is on the minus strand). VCF-style: chr5-128333013-C-A. GRCh37 (hg19) VCF-style: chr5-127668705-C-A.
Other names: short protein forms G1374V.
Identifiers: ClinVar variation 1304134 (VCV001304134.2), dbSNP rs2126892178, ClinGen allele CA360755347.
Genomic context (GRCh38, chr5:128,333,013, plus strand): 5'-CTACACTTGAAGCTTCCTGGGATATTCAGACATGAGGCATGCATGTCGCAGTTATGAGCA[C>A]CAATTTCACACTCATCCACATCTGATAAACCATAATTCATAAGAAGAAAATCAAAATACA-3'
Protein context (NP_001990.2, residues 1364-1384): GCTDVDECEI[Gly1374Val]AHNCDMHASC